The following is an entry in ClinVar:

NM_005263.5(GFI1):c.532G>A (p.Gly178Arg)

Gene: GFI1 (growth factor independent 1 transcriptional repressor; minus strand). Cytogenetic location: 1p22.1.
Variant type: single nucleotide variant.
Coding change: c.532G>A on transcript NM_005263.5 (MANE Select); coding-DNA position 532, G replaced by A.
Protein change: p.Gly178Arg; replaces glycine 178 with arginine.
Molecular consequence: missense variant.
Genome position (GRCh38, 1-based): chr1:92,480,855, C>T on the plus strand (G>A on the coding strand, the complement: GFI1 is on the minus strand). VCF-style: chr1-92480855-C-T. GRCh37 (hg19) VCF-style: chr1-92946412-C-T.
Other names: c.532G>A, p.Gly178Arg (NM_001127215.3, NM_001127216.3); c.532G>A (NM_005263.3); short protein forms G178R.
Identifiers: ClinVar variation 1348482 (VCV001348482.9), dbSNP rs768183366, ClinGen allele CA951369.
Genomic context (GRCh38, chr1:92,480,855, plus strand): 5'-CTAGGCCAGGGCCAGCGGTGGCACCGGCCCCTGCGCTGCAGCTCCCTGGCGCCCCGGCCC[C>T]CGCGCCGCCGGCAGCCCGCTTCGGGCCGTACAGCGCGGCCGGGTGGCCAGGCTCCGGGGC-3'
Protein context (NP_005254.2, residues 168-188): YGPKRAAGGA[Gly178Arg]AGAPGSCSAG

ClinVar aggregate classification (germline): Uncertain significance. Review status: criteria provided, multiple submitters, no conflicts (2 of 4 stars). 3 submissions from 3 submitters: Uncertain significance (3). Last evaluated 2026-01-11.

Conditions:
Neutropenia, severe congenital, 2, autosomal dominant. Identifiers: Orphanet 486, MedGen C2751288, MONDO:0013139, OMIM 613107.

Allele frequency attached by ClinVar (database versions not stated): TOPMed below 0.00001; gnomAD 0.00001; gnomAD exomes 0.00008; ExAC 0.00035.

Submissions (3):

Labcorp Genetics (formerly Invitae), Labcorp
Classification: Uncertain significance for Neutropenia, severe congenital, 2, autosomal dominant. Last evaluated: 2026-01-11. Review status: criteria provided, single submitter. Criteria: Invitae Variant Classification Sherloc (09022015). Collection method: clinical testing. Allele origin: germline.
Comment: This sequence change replaces glycine, which is neutral and non-polar, with arginine, which is basic and polar, at codon 178 of the GFI1 protein (p.Gly178Arg). This variant is present in population databases (rs768183366, gnomAD 0.05%). This variant has not been reported in the literature in individuals affected with GFI1-related conditions. ClinVar contains an entry for this variant (Variation ID: 1348482). Invitae Evidence Modeling of protein sequence and biophysical properties (such as structural, functional, and spatial information, amino acid conservation, physicochemical variation, residue mobility, and thermodynamic stability) indicates that this missense variant is not expected to disrupt GFI1 protein function with a negative predictive value of 80%. In summary, the available evidence is currently insufficient to determine the role of this variant in disease. Therefore, it has been classified as a Variant of Uncertain Significance.

Ambry Genetics
Classification: Uncertain significance. Last evaluated: 2025-02-06. Review status: criteria provided, single submitter. Criteria: Ambry Variant Classification Scheme 2023. Collection method: clinical testing. Allele origin: germline.
Comment: The p.G178R variant (also known as c.532G>A), located in coding exon 3 of the GFI1 gene, results from a G to A substitution at nucleotide position 532. The glycine at codon 178 is replaced by arginine, an amino acid with dissimilar properties. This amino acid position is conserved. In addition, this alteration is predicted to be tolerated by in silico analysis. Based on the available evidence, the clinical significance of this variant remains unclear.

Blueprint Genetics
Classification: Uncertain significance. Last evaluated: 2024-01-29. Review status: criteria provided, single submitter. Criteria: ACMG Guidelines, 2015. Collection method: clinical testing. Allele origin: germline.